The following is an entry in ClinVar:

NM_006164.5(NFE2L2):c.482del (p.Gln161fs)

Gene: NFE2L2 (NFE2 like bZIP transcription factor 2; minus strand). Cytogenetic location: 2q31.2.
Variant type: Deletion.
Coding change: c.482del on transcript NM_006164.5 (MANE Select); coding-DNA position 482, one base deleted (A; older notation c.482delA).
Protein change: p.Gln161fs; shifts the reading frame from glutamine 161.
Molecular consequence: frameshift variant.
Genome position (GRCh38, 1-based): chr2:177,232,504, T deleted on the plus strand (A on the coding strand, the reverse complement: NFE2L2 is on the minus strand). VCF-style (leftmost placement, unchanged base first): chr2-177232503-CT-C. GRCh37 (hg19) VCF-style: chr2-178097231-CT-C.
Other names: c.434del, p.Gln145fs (NM_001145412.3, NM_001313900.1, NM_001313901.1); c.413del, p.Gln138fs (NM_001145413.3); c.392del, p.Gln131fs (NM_001313902.2); c.263del, p.Gln88fs (NM_001313903.2); c.182del, p.Gln61fs (NM_001313904.1); short protein forms Q161fs, Q131fs, Q145fs, Q88fs, Q138fs, Q61fs.
Identifiers: ClinVar variation 3646663 (VCV003646663.2).

ClinVar aggregate classification (germline): Uncertain significance (1 of 4 stars; one submission).

Submission:

Labcorp Genetics (formerly Invitae), Labcorp
Classification: Uncertain significance. Last evaluated: 2024-03-18. Review status: criteria provided, single submitter. Criteria: Invitae Variant Classification Sherloc (09022015). Collection method: clinical testing. Allele origin: germline.
Comment: This sequence change creates a premature translational stop signal (p.Gln161Argfs*12) in the NFE2L2 gene. It is expected to result in an absent or disrupted protein product. However, the current clinical and genetic evidence is not sufficient to establish whether loss-of-function variants in NFE2L2 cause disease. This variant is not present in population databases (gnomAD no frequency). This variant has not been reported in the literature in individuals affected with NFE2L2-related conditions. In summary, the available evidence is currently insufficient to determine the role of this variant in disease. Therefore, it has been classified as a Variant of Uncertain Significance.